The following is an entry in ClinVar:

ClinVar aggregate classification (germline): Uncertain significance (1 of 4 stars; one submission).

Submission:

Labcorp Genetics (formerly Invitae), Labcorp
Classification: Uncertain significance. Last evaluated: 2023-10-22. Review status: criteria provided, single submitter. Criteria: Invitae Variant Classification Sherloc (09022015). Collection method: clinical testing. Allele origin: germline.
Comment: This sequence change replaces lysine, which is basic and polar, with glutamic acid, which is acidic and polar, at codon 27 of the ACVR1 protein (p.Lys27Glu). This variant is not present in population databases (gnomAD no frequency). This variant has not been reported in the literature in individuals affected with ACVR1-related conditions. An algorithm developed to predict the effect of missense changes on protein structure and function (PolyPhen-2) suggests that this variant is likely to be tolerated. In summary, the available evidence is currently insufficient to determine the role of this variant in disease. Therefore, it has been classified as a Variant of Uncertain Significance.

NM_001111067.4(ACVR1):c.79A>G (p.Lys27Glu)

Gene: ACVR1 (activin A receptor type 1; minus strand). Cytogenetic location: 2q24.1.
Variant type: single nucleotide variant.
Coding change: c.79A>G on transcript NM_001111067.4 (MANE Select); coding-DNA position 79, A replaced by G.
Protein change: p.Lys27Glu; replaces lysine 27 with glutamic acid.
Molecular consequence: missense variant.
Genome position (GRCh38, 1-based): chr2:157,780,589, T>C on the plus strand (A>G on the coding strand, the complement: ACVR1 is on the minus strand). VCF-style: chr2-157780589-T-C. GRCh37 (hg19) VCF-style: chr2-158637101-T-C.
Other names: c.79A>G, p.Lys27Glu (NM_001105.5, NM_001347663.1, NM_001347664.1 and 3 more transcripts); short protein forms K27E.
Identifiers: ClinVar variation 2862709 (VCV002862709.3), dbSNP rs2467968205, ClinGen allele CA349194053.